The following is an entry in ClinVar:

ClinVar aggregate classification (germline): Conflicting classifications of pathogenicity. Review status: criteria provided, conflicting classifications (1 of 4 stars). 3 submissions from 3 submitters: Uncertain significance (2); Likely benign (1). Last evaluated 2026-06-26.

Conditions:
Juvenile polyposis syndrome (JPS). Identifiers: Orphanet 2929, MedGen C0345893, MONDO:0017380, OMIM 174900.
Hereditary cancer-predisposing syndrome. Also called: Neoplastic Syndromes, Hereditary; Hereditary Cancer Syndrome; Tumor predisposition; Hereditary neoplastic syndrome. Identifiers: Orphanet 140162, MedGen C0027672, MeSH D009386, MONDO:0015356.

Allele frequency attached by ClinVar (database versions not stated): gnomAD exomes below 0.00001; ExAC 0.00001.

Submissions (3):

Ambry Genetics
Classification: Likely benign for Hereditary cancer-predisposing syndrome. Last evaluated: 2026-06-26. Review status: criteria provided, single submitter. Criteria: Ambry Variant Classification Scheme 2023. Collection method: clinical testing. Allele origin: germline.

Labcorp Genetics (formerly Invitae), Labcorp
Classification: Uncertain significance for Juvenile polyposis syndrome. Last evaluated: 2024-08-07. Review status: criteria provided, single submitter. Criteria: Invitae Variant Classification Sherloc (09022015). Collection method: clinical testing. Allele origin: germline.
Comment: This sequence change replaces valine, which is neutral and non-polar, with isoleucine, which is neutral and non-polar, at codon 496 of the BMPR1A protein (p.Val496Ile). This variant is present in population databases (rs753939029, gnomAD 0.0009%). This variant has not been reported in the literature in individuals affected with BMPR1A-related conditions. ClinVar contains an entry for this variant (Variation ID: 918485). Advanced modeling of protein sequence and biophysical properties (such as structural, functional, and spatial information, amino acid conservation, physicochemical variation, residue mobility, and thermodynamic stability) performed at Invitae indicates that this missense variant is not expected to disrupt BMPR1A protein function with a negative predictive value of 80%. In summary, the available evidence is currently insufficient to determine the role of this variant in disease. Therefore, it has been classified as a Variant of Uncertain Significance.

Color Diagnostics, LLC DBA Color Health
Classification: Uncertain significance for Hereditary cancer-predisposing syndrome. Last evaluated: 2024-03-06. Review status: criteria provided, single submitter. Criteria: ACMG Guidelines, 2015. Collection method: clinical testing. Allele origin: germline.
Comment: This missense variant replaces valine with isoleucine at codon 496 of the BMPR1A protein. Computational prediction tool suggests that this variant may not impact protein structure and function (internally defined REVEL score threshold <=0.5, PMID: 27666373). Splice site prediction tools suggest that this variant may not impact RNA splicing. To our knowledge, functional studies have not been performed for this variant. This variant has not been reported in individuals affected with hereditary cancer in the literature. This variant has been identified in 1/251488 chromosomes in the general population by the Genome Aggregation Database (gnomAD). The available evidence is insufficient to determine the role of this variant in disease conclusively. Therefore, this variant is classified as a Variant of Uncertain Significance.

NM_004329.3(BMPR1A):c.1486G>A (p.Val496Ile)

Gene: BMPR1A (bone morphogenetic protein receptor type 1A; plus strand). Cytogenetic location: 10q23.2.
Variant type: single nucleotide variant.
Coding change: c.1486G>A on transcript NM_004329.3 (MANE Select); coding-DNA position 1486, G replaced by A.
Protein change: p.Val496Ile; replaces valine 496 with isoleucine.
Molecular consequence: missense variant.
Genome position (GRCh38, 1-based): chr10:86,923,606, G>A. VCF-style: chr10-86923606-G-A. GRCh37 (hg19) VCF-style: chr10-88683363-G-A.
Other names: short protein forms V496I.
Identifiers: ClinVar variation 918485 (VCV000918485.17), dbSNP rs753939029, ClinGen allele CA5585742.
Genomic context (GRCh38, chr10:86,923,606, plus strand): 5'-TGCCACCAAATATATTCTCTGCTCACTGAACATCTCTTTACTTTTCAGTGTCTACGAGCA[G>A]TTTTGAAGCTAATGTCAGAATGCTGGGCCCACAATCCAGCCTCCAGACTCACAGCATTGA-3'
Protein context (NP_004320.2, residues 486-506): RWNSDECLRA[Val496Ile]LKLMSECWAH